The following is an entry in ClinVar:

ClinVar aggregate classification (germline): Uncertain significance (1 of 4 stars; one submission).

gnomAD v4.1: 6 of 1,613,450 alleles (0.00037%); highest among the groups gnomAD compares: Non-Finnish European, 0.00042%; no homozygotes.

Submission:

Labcorp Genetics (formerly Invitae), Labcorp
Classification: Uncertain significance. Last evaluated: 2025-10-06. Review status: criteria provided, single submitter. Criteria: Invitae Variant Classification Sherloc (09022015). Collection method: clinical testing. Allele origin: germline.
Comment: This sequence change replaces arginine, which is basic and polar, with lysine, which is basic and polar, at codon 510 of the PITPNM3 protein (p.Arg510Lys). This variant is not present in population databases (gnomAD no frequency). This variant has not been reported in the literature in individuals affected with PITPNM3-related conditions. An algorithm developed to predict the effect of missense changes on protein structure and function (PolyPhen-2) suggests that this variant is likely to be tolerated. In summary, the available evidence is currently insufficient to determine the role of this variant in disease. Therefore, it has been classified as a Variant of Uncertain Significance.

NM_031220.4(PITPNM3):c.1529G>A (p.Arg510Lys)

Gene: PITPNM3 (PITPNM family member 3; minus strand). Cytogenetic location: 17p13.2.
Variant type: single nucleotide variant.
Coding change: c.1529G>A on transcript NM_031220.4 (MANE Select); coding-DNA position 1529, G replaced by A.
Protein change: p.Arg510Lys; replaces arginine 510 with lysine.
Molecular consequence: missense variant.
Genome position (GRCh38, 1-based): chr17:6,471,256, C>T on the plus strand (G>A on the coding strand, the complement: PITPNM3 is on the minus strand). VCF-style: chr17-6471256-C-T. GRCh37 (hg19) VCF-style: chr17-6374576-C-T.
Other names: c.1421G>A, p.Arg474Lys (NM_001165966.2); short protein forms R510K, R474K.
Identifiers: ClinVar variation 4701196 (VCV004701196.1).